The following is an entry in ClinVar:

ClinVar aggregate classification (germline): Uncertain significance. Review status: criteria provided, multiple submitters, no conflicts (2 of 4 stars). 2 submissions from 2 submitters: Uncertain significance (2). Last evaluated 2025-10-02.

Conditions:
RPGRIP1L-related disorder. Also called: RPGRIP1L-related disorders; RPGRIP1L-related condition. Identifiers: MedGen CN239416.
Meckel-Gruber syndrome. Also called: Dysencephalia splachnocystica; DYSENCEPHALIA SPLANCHNOCYSTICA; GRUBER SYNDROME. Identifiers: Orphanet 564, MedGen C0265215, MONDO:0018921.
Joubert syndrome. Also called: Familial aplasia of the vermis; JOUBERT-BOLTSHAUSER SYNDROME. Identifiers: Orphanet 475, MedGen C5979921, MONDO:0018772.

gnomAD v4.1: 1 of 1,614,048 alleles (0.000062%); highest among the groups gnomAD compares: Non-Finnish European, 0.000085%; no homozygotes.

Submissions (2):

Labcorp Genetics (formerly Invitae), Labcorp
Classification: Uncertain significance for Joubert syndrome; Meckel-Gruber syndrome. Last evaluated: 2025-10-02. Review status: criteria provided, single submitter. Criteria: Invitae Variant Classification Sherloc (09022015). Collection method: clinical testing. Allele origin: germline.
Comment: This sequence change replaces lysine, which is basic and polar, with asparagine, which is neutral and polar, at codon 751 of the RPGRIP1L protein (p.Lys751Asn). This variant is not present in population databases (gnomAD no frequency). This variant has not been reported in the literature in individuals affected with RPGRIP1L-related conditions. ClinVar contains an entry for this variant (Variation ID: 3763597). Invitae Evidence Modeling of protein sequence and biophysical properties (such as structural, functional, and spatial information, amino acid conservation, physicochemical variation, residue mobility, and thermodynamic stability) indicates that this missense variant is expected to disrupt RPGRIP1L protein function with a positive predictive value of 80%. In summary, the available evidence is currently insufficient to determine the role of this variant in disease. Therefore, it has been classified as a Variant of Uncertain Significance.

PreventionGenetics, part of Exact Sciences
Classification: Uncertain significance for RPGRIP1L-related condition. Last evaluated: 2025-08-15. Review status: criteria provided, single submitter. Criteria: ACMG Guidelines, 2015. Collection method: clinical testing. Allele origin: germline.
Comment: The RPGRIP1L c.2253G>T variant is predicted to result in the amino acid substitution p.Lys751Asn. To our knowledge, this variant has not been reported in the literature or in a large population database (gnomAD), indicating this variant is rare. At this time, the clinical significance of this variant is uncertain due to the absence of conclusive functional and genetic evidence.

NM_015272.5(RPGRIP1L):c.2253G>T (p.Lys751Asn)

Gene: RPGRIP1L (RPGRIP1 like; minus strand). Cytogenetic location: 16q12.2.
Variant type: single nucleotide variant.
Coding change: c.2253G>T on transcript NM_015272.5 (MANE Select); coding-DNA position 2253, G replaced by T.
Protein change: p.Lys751Asn; replaces lysine 751 with asparagine.
Molecular consequence: missense variant.
Genome position (GRCh38, 1-based): chr16:53,649,015, C>A on the plus strand (G>T on the coding strand, the complement: RPGRIP1L is on the minus strand). VCF-style: chr16-53649015-C-A. GRCh37 (hg19) VCF-style: chr16-53682927-C-A.
Other names: c.2253G>T, p.Lys751Asn (NM_001127897.4, NM_001308334.3, NM_001330538.2); c.2253G>T (NM_015272.4); short protein forms K751N.
Identifiers: ClinVar variation 3763597 (VCV003763597.3).